The following is an entry in ClinVar:

ClinVar aggregate classification (germline): Uncertain significance. Review status: criteria provided, single submitter (1 of 4 stars). 2 submissions from 2 submitters: Uncertain significance (1). 1 of the submissions does not count toward it. Last evaluated 2025-08-29.

Conditions:
Glycine encephalopathy. Also called: Nonketotic hyperglycinemia; Non-ketotic hyperglycinemia. Identifiers: Orphanet 407, MedGen C0751748, MONDO:0011612, HP:0008288.

Allele frequency attached by ClinVar (database versions not stated): gnomAD exomes below 0.00001.
gnomAD v4.1: 2 of 1,614,198 alleles (0.00012%); highest among the groups gnomAD compares: Non-Finnish European, 0.00017%; no homozygotes.

Submissions (2):

Labcorp Genetics (formerly Invitae), Labcorp
Classification: Uncertain significance for Glycine encephalopathy. Last evaluated: 2025-08-29. Review status: criteria provided, single submitter. Criteria: Invitae Variant Classification Sherloc (09022015). Collection method: clinical testing. Allele origin: germline.
Comment: This sequence change replaces valine, which is neutral and non-polar, with methionine, which is neutral and non-polar, at codon 380 of the AMT protein (p.Val380Met). This variant is present in population databases (no rsID available, gnomAD 0.003%). This variant has not been reported in the literature in individuals affected with AMT-related conditions. ClinVar contains an entry for this variant (Variation ID: 853849). Invitae Evidence Modeling of protein sequence and biophysical properties (such as structural, functional, and spatial information, amino acid conservation, physicochemical variation, residue mobility, and thermodynamic stability) indicates that this missense variant is expected to disrupt AMT protein function with a positive predictive value of 95%. In summary, the available evidence is currently insufficient to determine the role of this variant in disease. Therefore, it has been classified as a Variant of Uncertain Significance.

Natera, Inc.
Classification: Uncertain significance for Non-ketotic hyperglycinemia. Last evaluated: 2021-03-25. Review status: no assertion criteria provided. Collection method: clinical testing. Allele origin: germline. Not counted in ClinVar's aggregate classification.

NM_000481.4(AMT):c.1138G>A (p.Val380Met)

Gene: AMT (aminomethyltransferase; minus strand). Cytogenetic location: 3p21.31.
Variant type: single nucleotide variant.
Coding change: c.1138G>A on transcript NM_000481.4 (MANE Select); coding-DNA position 1138, G replaced by A.
Protein change: p.Val380Met; replaces valine 380 with methionine.
Molecular consequence: missense variant. On other transcripts: non-coding transcript variant (1), splice donor variant (1).
Genome position (GRCh38, 1-based): chr3:49,417,614, C>T on the plus strand (G>A on the coding strand, the complement: AMT is on the minus strand). VCF-style: chr3-49417614-C-T. GRCh37 (hg19) VCF-style: chr3-49455047-C-T.
Other names: c.1006G>A, p.Val336Met (NM_001164710.2); c.970G>A, p.Val324Met (NM_001164711.2); c.1137+1G>A (NM_001164712.2); short protein forms V324M, V380M, V336M.
Identifiers: ClinVar variation 853849 (VCV000853849.8), dbSNP rs1306590343, ClinGen allele CA352788740.
Genomic context (GRCh38, chr3:49,417,614, plus strand): 5'-AGTAGTTTGTGGGCACAAAGGGCATCTTGCTGACTACAGCCATCTGCTGCTTCCGCCGCA[C>T]CTCTACCAGCAGCATTGTCCCTGGACGACTGTACTCGCAGGGCACATAACCCATCGCCAC-3'
Protein context (NP_000472.2, residues 370-390): SRPGTMLLVE[Val380Met]RRKQQMAVVS